The following is an entry in ClinVar:

ClinVar aggregate classification (germline): Pathogenic (1 of 4 stars; one submission).

Conditions:
Intellectual disability, X-linked 102 (MRXSSB). Also called: Intellectual developmental disorder, X-linked syndromic, Snijders Blok type. Identifiers: Orphanet 457260, MedGen C5393299, MONDO:0010497, OMIM 300958.

Submission:

Women's Health and Genetics/Laboratory Corporation of America, LabCorp
Classification: Pathogenic for Intellectual disability, X-linked 102. Last evaluated: 2026-04-07. Review status: criteria provided, single submitter. Criteria: LabCorp Variant Classification Summary - May 2015. Collection method: clinical testing. Allele origin: germline.
Comment: Variant summary: DDX3X c.299dupG (p.Arg101ThrfsX3) results in a premature termination codon, predicted to cause absence of the protein due to nonsense mediated decay, which is a commonly known mechanism for disease. The variant was absent in 182518 control chromosomes (gnomAD). To our knowledge, no occurrence of c.299dupG in individuals affected with DDX3X-related conditions and no experimental evidence demonstrating its impact on protein function have been reported. No submitters have cited clinical-significance assessments for this variant to ClinVar. Based on the evidence outlined above, the variant was classified as pathogenic.

NM_001356.5(DDX3X):c.299dup (p.Arg101fs)

Gene: DDX3X (DEAD-box helicase 3 X-linked; plus strand). Cytogenetic location: Xp11.4.
Variant type: Duplication.
Coding change: c.299dup on transcript NM_001356.5 (MANE Select); coding-DNA position 299, one base duplicated (G; older notation c.299dupG).
Protein change: p.Arg101fs; shifts the reading frame from arginine 101.
Molecular consequence: frameshift variant. On other transcripts: 5 prime UTR variant (1), non-coding transcript variant (1).
Genome position (GRCh38, 1-based): chrX:41,342,509, G duplicated; the last of 2 consecutive G bases (chrX:41,342,508-41,342,509); duplicating either gives the same sequence. VCF-style (leftmost placement, unchanged base first): chrX-41342507-T-TG. GRCh37 (hg19) VCF-style: chrX-41201760-T-TG.
Other names: c.299dupG (NM_001356.5); c.299dup, p.Arg101fs (NM_001193416.3); c.251dup, p.Arg85fs (NM_001193417.3); c.-260dup (NM_001363819.1); short protein forms R101fs, R85fs.
Identifiers: ClinVar variation 4848829 (VCV004848829.1).